The following is an entry in ClinVar:

ClinVar aggregate classification (germline): Uncertain significance (1 of 4 stars; one submission).

gnomAD v4.1: 14 of 1,613,070 alleles (0.00087%); highest among the groups gnomAD compares: South Asian, 0.015%; no homozygotes.

Submission:

GeneDx
Classification: Uncertain significance. Last evaluated: 2025-05-30. Review status: criteria provided, single submitter. Criteria: GeneDx Variant Classification Process June 2021. Collection method: clinical testing. Allele origin: germline. Affected: yes.
Comment: Not observed at significant frequency in large population cohorts (gnomAD); Missense variant in a gene in which most reported pathogenic variants are truncating/loss of function; Reported using an alternate transcript of the gene

NM_001267550.2(TTN):c.11311+4554C>A

Gene: TTN (titin; minus strand). Cytogenetic location: 2q31.2.
Variant type: single nucleotide variant.
Coding change: c.11311+4554C>A on transcript NM_001267550.2 (MANE Select); 4554 bases into the intron after coding-DNA position 11311, C replaced by A.
Molecular consequence: intron variant. On other transcripts: missense variant (1).
Genome position (GRCh38, 1-based): chr2:178,748,570, G>T on the plus strand (C>A on the coding strand, the complement: TTN is on the minus strand). VCF-style: chr2-178748570-G-T. GRCh37 (hg19) VCF-style: chr2-179613297-G-T.
Other names: c.13830C>A, p.Asp4610Glu (NM_133379.5); c.10222+4554C>A (NM_003319.4); c.10798+4554C>A (NM_133437.4); c.10597+4554C>A (NM_133432.3); c.10360+4554C>A (NM_133378.4, NM_001256850.1); short protein forms D4610E.
Identifiers: ClinVar variation 4532696 (VCV004532696.1).